The following is an entry in ClinVar:

NM_007294.4(BRCA1):c.5064T>G (p.Val1688=)

Gene: BRCA1 (BRCA1 DNA repair associated; minus strand). Cytogenetic location: 17q21.31.
Variant type: single nucleotide variant.
Coding change: c.5064T>G on transcript NM_007294.4 (MANE Select); coding-DNA position 5064, T replaced by G.
Protein change: p.Val1688=; no amino-acid change (valine 1688 retained).
Molecular consequence: synonymous variant. On other transcripts: intron variant (1).
Genome position (GRCh38, 1-based): chr17:43,067,618, A>C on the plus strand (T>G on the coding strand, the complement: BRCA1 is on the minus strand). VCF-style: chr17-43067618-A-C. GRCh37 (hg19) VCF-style: chr17-41219635-A-C.
Other names: c.4851T>G, p.Val1617= (NM_001407571.1, NM_001407894.1, NM_001407895.1 and 12 more transcripts); c.5130T>G, p.Val1710= (NM_001407581.1, NM_001407582.1); c.5127T>G, p.Val1709= (NM_001407583.1, NM_001407585.1, NM_001407587.1 and 1 more transcripts); c.5124T>G, p.Val1708= (NM_001407590.1, NM_001407591.1); c.5064T>G, p.Val1688= (NM_001407593.1, NM_001407594.1, NM_001407596.1 and 8 more transcripts); c.5061T>G, p.Val1687= (NM_001407610.1, NM_001407611.1, NM_001407612.1 and 17 more transcripts); c.5058T>G, p.Val1686= (NM_001407627.1, NM_001407628.1, NM_001407629.1 and 14 more transcripts); c.5055T>G, p.Val1685= (NM_001407644.1, NM_001407645.1); and 71 more.
Identifiers: ClinVar variation 864897 (VCV000864897.3), dbSNP rs1567771967, ClinGen allele CA500146305.

Conditions:
Breast-ovarian cancer, familial, susceptibility to, 1 (BROVCA1). Also called: BRCA1 Hereditary Breast and Ovarian Cancer; OVARIAN CANCER, SUSCEPTIBILITY TO. Identifiers: Orphanet 145, MedGen C2676676, MONDO:0011450, OMIM 604370. Disease mechanism: loss of function.

Submission:

Brotman Baty Institute, University of Washington
No classification provided (evidence only). Condition: Breast-ovarian cancer, familial 1. Review status: no classification provided. Collection method: in vitro. Allele origin: not applicable. Functional consequence: functionally_normal.
ClinVar note: "not provided" was previously submitted as the classification for the variant. However, the classification appeared to be based only on an observation of functional data so it was converted to no classification on 2025-07-30.